The following is an entry in ClinVar:

ClinVar aggregate classification (germline): Benign. Review status: criteria provided, single submitter (1 of 4 stars). 2 submissions from 2 submitters: Benign (1). 1 of the submissions does not count toward it.

Allele frequency attached by ClinVar (database versions not stated): 1000 Genomes Project 0.28155; 1000 Genomes Project 30x 0.29154; gnomAD 0.25392; TOPMed 0.26816; ESP Exome Variant Server 0.27543.
gnomAD v4.1: 220,694 of 1,613,146 alleles (14%); highest among the groups gnomAD compares: African/African-American, 64%; 26,330 homozygotes.

Submissions (2):

Breakthrough Genomics
Classification: Benign. Review status: criteria provided, single submitter. Criteria: ACMG Guidelines, 2015. Collection method: not provided. Allele origin: germline. Inheritance: Unknown mechanism. Affected: yes.

Genetic Services Laboratory, University of Chicago
Classification: Likely benign for AllHighlyPenetrant. Review status: no assertion criteria provided. Collection method: clinical testing. Allele origin: germline. Inheritance: Autosomal dominant inheritance. Not counted in ClinVar's aggregate classification.
Comment: Likely benign based on allele frequency in 1000 Genomes Project or ESP global frequency and its presence in a patient with a rare or unrelated disease phenotype. NOT Sanger confirmed.

NM_001129729.3(PLEKHG4):c.1574A>G (p.Asp525Gly)

Gene: PLEKHG4 (pleckstrin homology and RhoGEF domain containing G4; plus strand). Cytogenetic location: 16q22.1.
Variant type: single nucleotide variant.
Coding change: c.1574A>G on transcript NM_001129729.3 (MANE Select); coding-DNA position 1574, A replaced by G.
Protein change: p.Asp525Gly; replaces aspartic acid 525 with glycine.
Molecular consequence: missense variant.
Genome position (GRCh38, 1-based): chr16:67,284,339, A>G. VCF-style: chr16-67284339-A-G. GRCh37 (hg19) VCF-style: chr16-67318242-A-G.
Other names: c.1574A>G, p.Asp525Gly (NM_001129727.3, NM_001129728.2); c.1331A>G, p.Asp444Gly (NM_001129731.3); short protein forms D525G, D444G.
Identifiers: ClinVar variation 129965 (VCV000129965.7), dbSNP rs8044843, ClinGen allele CA154690.